The following is an entry in ClinVar:

ClinVar aggregate classification (germline): Uncertain significance (1 of 4 stars; one submission).

Conditions:
Familial acute necrotizing encephalopathy (IIAE3). Also called: ENCEPHALOPATHY, ACUTE, INFECTION-INDUCED, SUSCEPTIBILITY TO, 3; Susceptibility to Acute Necrotizing Encephalopathy 1. Identifiers: Orphanet 88619, MedGen C2675556, MONDO:0011953, OMIM 608033.

Allele frequency attached by ClinVar (database versions not stated): gnomAD 0.00001; TOPMed 0.00001.
gnomAD v4.1: 4 of 1,611,818 alleles (0.00025%); highest among the groups gnomAD compares: African/African-American, 0.004%; no homozygotes.

Submission:

Labcorp Genetics (formerly Invitae), Labcorp
Classification: Uncertain significance for Familial acute necrotizing encephalopathy. Last evaluated: 2019-12-15. Review status: criteria provided, single submitter. Criteria: Invitae Variant Classification Sherloc (09022015). Collection method: clinical testing. Allele origin: germline.
Comment: Algorithms developed to predict the effect of missense changes on protein structure and function (SIFT, PolyPhen-2, Align-GVGD) all suggest that this variant is likely to be tolerated, but these predictions have not been confirmed by published functional studies and their clinical significance is uncertain. This sequence change replaces aspartic acid with asparagine at codon 405 of the RANBP2 protein (p.Asp405Asn). The aspartic acid residue is highly conserved and there is a small physicochemical difference between aspartic acid and asparagine. This variant is not present in population databases (ExAC no frequency). This variant has not been reported in the literature in individuals with RANBP2-related conditions. In summary, the available evidence is currently insufficient to determine the role of this variant in disease. Therefore, it has been classified as a Variant of Uncertain Significance.

NM_006267.5(RANBP2):c.1213G>A (p.Asp405Asn)

Gene: RANBP2 (RAN binding protein 2; plus strand). Cytogenetic location: 2q13.
Variant type: single nucleotide variant.
Coding change: c.1213G>A on transcript NM_006267.5 (MANE Select); coding-DNA position 1213, G replaced by A.
Protein change: p.Asp405Asn; replaces aspartic acid 405 with asparagine.
Molecular consequence: missense variant.
Genome position (GRCh38, 1-based): chr2:108,749,069, G>A. VCF-style: chr2-108749069-G-A. GRCh37 (hg19) VCF-style: chr2-109365525-G-A.
Other names: short protein forms D405N.
Identifiers: ClinVar variation 853439 (VCV000853439.9), dbSNP rs750123699, ClinGen allele CA53438890.